The following is an entry in ClinVar:

ClinVar aggregate classification (germline): Benign. Review status: criteria provided, multiple submitters, no conflicts (2 of 4 stars). 7 submissions from 7 submitters: Benign (5). 2 of the submissions do not count toward it. Last evaluated 2025-07-10.

Conditions:
Hereditary cancer-predisposing syndrome. Also called: Hereditary Cancer Syndrome; Tumor predisposition; Hereditary neoplastic syndrome; Neoplastic Syndromes, Hereditary. Identifiers: Orphanet 140162, MedGen C0027672, MeSH D009386, MONDO:0015356.

Submissions (7):

GeneKor MSA
Classification: Benign for Hereditary cancer-predisposing syndrome. Last evaluated: 2025-07-10. Review status: criteria provided, single submitter. Criteria: ACMG Guidelines, 2015. Collection method: clinical testing. Allele origin: germline.

Center for Genomic Medicine, Rigshospitalet, Copenhagen University Hospital
Classification: Benign. Last evaluated: 2025-03-04. Review status: criteria provided, single submitter. Criteria: ACMG Guidelines, 2015. Collection method: clinical testing. Allele origin: germline.

Unidad de Genómica Garrahan, Hospital de Pediatría Garrahan
Classification: Benign. Last evaluated: 2024-01-24. Review status: criteria provided, single submitter. Criteria: ACMG Guidelines, 2015. Collection method: clinical testing. Allele origin: germline. Affected: no. Observed: 21 variant alleles.
Comment: This variant is classified as Benign based on local population frequency. This variant was detected in 22% of patients studied by a panel of primary immunodeficiencies. Number of patients: 21. Only high quality variants are reported.

Women's Health and Genetics/Laboratory Corporation of America, LabCorp
Classification: Benign. Last evaluated: 2021-12-20. Review status: criteria provided, single submitter. Criteria: LabCorp Variant Classification Summary - May 2015. Collection method: clinical testing. Allele origin: germline.
Comment: Variant summary: ATM c.2922-8dupT alters a nucleotide located close to a canonical splice site. The variant allele was found at a frequency of 0.047 in 186328 control chromosomes, predominantly at a frequency of 0.17 within the Latino subpopulation in the gnomAD database, including 2 homozygotes. The observed variant frequency within Latino control individuals in the gnomAD database is approximately 43.007 fold of the estimated maximal expected allele frequency for a pathogenic variant in ATM causing Ataxia-Telangiectasia phenotype (0.004), strongly suggesting that the variant is a benign polymorphism found primarily in populations of Latino origin. No clinical diagnostic laboratories have submitted clinical-significance assessments for this variant to ClinVar after 2014. Based on the evidence outlined above, the variant was classified as benign.

GeneDx
Classification: Benign. Last evaluated: 2019-08-30. Review status: criteria provided, single submitter. Criteria: GeneDx Variant Classification Process June 2021. Collection method: clinical testing. Allele origin: germline. Affected: yes.

Clinical Genetics DNA and cytogenetics Diagnostics Lab, Erasmus MC, Erasmus Medical Center
Classification: Benign. Review status: no assertion criteria provided. Collection method: clinical testing. Allele origin: germline. Affected: yes. Study: VKGL Data-share Consensus. Not counted in ClinVar's aggregate classification.

Clinical Genetics Laboratory, Department of Pathology, Netherlands Cancer Institute
Classification: Benign. Review status: no assertion criteria provided. Collection method: clinical testing. Allele origin: germline. Affected: yes. Study: VKGL Data-share Consensus. Not counted in ClinVar's aggregate classification.

NM_000051.4(ATM):c.2922-8dup

Gene: ATM (ATM serine/threonine kinase; plus strand). Cytogenetic location: 11q22.3.
Variant type: Duplication.
Coding change: c.2922-8dup on transcript NM_000051.4 (MANE Select); 8 bases into the intron before coding-DNA position 2922, one base duplicated (T; older notation c.2922-8dupT).
Molecular consequence: intron variant.
Genome position (GRCh38, 1-based): chr11:108,271,243, T duplicated; the last of 15 consecutive T bases (chr11:108,271,229-108,271,243); duplicating any one gives the same sequence. VCF-style (leftmost placement, unchanged base first): chr11-108271228-C-CT. GRCh37 (hg19) VCF-style: chr11-108141955-C-CT.
Other names: c.2922-8dup (NM_001351834.2); c.2922-8dupT (NM_000051.4).
Identifiers: ClinVar variation 1249532 (VCV001249532.12), dbSNP rs373881770, ClinGen allele CA6265149.